The following is an entry in ClinVar:

ClinVar aggregate classification (germline): Uncertain significance (1 of 4 stars; one submission).

Conditions:
DYRK1A-related intellectual disability syndrome (MRD7). Also called: Intellectual developmental disorder, autosomal dominant 7; DYRK1A Syndrome. Identifiers: Orphanet 464306, MedGen C5568143, MONDO:0013578, OMIM 614104.

Submission:

Labcorp Genetics (formerly Invitae), Labcorp
Classification: Uncertain significance for DYRK1A-related intellectual disability syndrome. Last evaluated: 2023-12-21. Review status: criteria provided, single submitter. Criteria: Invitae Variant Classification Sherloc (09022015). Collection method: clinical testing. Allele origin: germline.
Comment: This sequence change replaces methionine, which is neutral and non-polar, with leucine, which is neutral and non-polar, at codon 229 of the DYRK1A protein (p.Met229Leu). This variant is not present in population databases (gnomAD no frequency). This variant has not been reported in the literature in individuals affected with DYRK1A-related conditions. Advanced modeling of protein sequence and biophysical properties (such as structural, functional, and spatial information, amino acid conservation, physicochemical variation, residue mobility, and thermodynamic stability) performed at Invitae indicates that this missense variant is not expected to disrupt DYRK1A protein function with a negative predictive value of 80%. In summary, the available evidence is currently insufficient to determine the role of this variant in disease. Therefore, it has been classified as a Variant of Uncertain Significance.

NM_001347721.2(DYRK1A):c.658A>T (p.Met220Leu)

Gene: DYRK1A (dual specificity tyrosine phosphorylation regulated kinase 1A; plus strand). Cytogenetic location: 21q22.13.
Variant type: single nucleotide variant.
Coding change: c.658A>T on transcript NM_001347721.2 (MANE Select); coding-DNA position 658, A replaced by T.
Protein change: p.Met220Leu; replaces methionine 220 with leucine.
Molecular consequence: missense variant.
Genome position (GRCh38, 1-based): chr21:37,490,195, A>T. VCF-style: chr21-37490195-A-T. GRCh37 (hg19) VCF-style: chr21-38862497-A-T.
Other names: c.658A>T, p.Met220Leu (NM_001347722.2, NM_130436.2); c.571A>T, p.Met191Leu (NM_001347723.2); c.685A>T, p.Met229Leu (NM_001396.5, NM_101395.2, NM_130438.2); short protein forms M220L, M229L, M191L.
Identifiers: ClinVar variation 2704700 (VCV002704700.3), dbSNP rs2518027680, ClinGen allele CA409947175.
Genomic context (GRCh38, chr21:37,490,195, plus strand): 5'-TGGTATATATAATTTAAAATGAAACTGTTTTCTCTTTCAGTGCATTTGAAACGCCACTTT[A>T]TGTTTCGAAACCATCTCTGTTTAGTTTTTGAAATGCTGTCCTACAACCTCTATGACTTGC-3'
Protein context (NP_001334650.1, residues 210-230): YYIVHLKRHF[Met220Leu]FRNHLCLVFE